The following is an entry in ClinVar:

NM_015102.5(NPHP4):c.4140+9G>A

Gene: NPHP4 (nephrocystin 4; minus strand). Cytogenetic location: 1p36.31.
Variant type: single nucleotide variant.
Coding change: c.4140+9G>A on transcript NM_015102.5 (MANE Select); 9 bases into the intron after coding-DNA position 4140, G replaced by A.
Molecular consequence: intron variant.
Genome position (GRCh38, 1-based): chr1:5,863,881, C>T on the plus strand (G>A on the coding strand, the complement: NPHP4 is on the minus strand). VCF-style: chr1-5863881-C-T. GRCh37 (hg19) VCF-style: chr1-5923941-C-T.
Other names: c.2604+9G>A (NM_001291594.2); c.2601+9G>A (NM_001291593.2).
Identifiers: ClinVar variation 2049749 (VCV002049749.4), dbSNP rs1205744919, ClinGen allele CA2580062646.
Genomic context (GRCh38, chr1:5,863,881, plus strand): 5'-CAGGCTAACTGCCCTCCATTCAGGTCCCCGGGTCTTCCCCTAGGAGTCCCAGGCACAGCC[C>T]CACCACACCTGGAAGGAGTCCTCTCTGAACCGCAGCAGCTCCGGGTGGTCGCTGTGCAGG-3'

ClinVar aggregate classification (germline): Uncertain significance (1 of 4 stars; one submission).

Conditions:
Nephronophthisis. Also called: Juvenile Nephronophthisis. Identifiers: Orphanet 655, MedGen C0687120, MONDO:0019005, HP:0000090.

Submission:

Labcorp Genetics (formerly Invitae), Labcorp
Classification: Uncertain significance for Nephronophthisis. Last evaluated: 2021-12-20. Review status: criteria provided, single submitter. Criteria: Invitae Variant Classification Sherloc (09022015). Collection method: clinical testing. Allele origin: germline.
Comment: This sequence change falls in intron 29 of the NPHP4 gene. It does not directly change the encoded amino acid sequence of the NPHP4 protein. This variant is not present in population databases (gnomAD no frequency). This variant has not been reported in the literature in individuals affected with NPHP4-related conditions. Algorithms developed to predict the effect of sequence changes on RNA splicing suggest that this variant may create or strengthen a splice site. In summary, the available evidence is currently insufficient to determine the role of this variant in disease. Therefore, it has been classified as a Variant of Uncertain Significance.